The following is an entry in ClinVar:

ClinVar aggregate classification (germline): Uncertain significance. Review status: criteria provided, multiple submitters, no conflicts (2 of 4 stars). 2 submissions from 2 submitters: Uncertain significance (2). Last evaluated 2021-04-14.

Conditions:
Hereditary cancer-predisposing syndrome. Also called: Neoplastic Syndromes, Hereditary; Tumor predisposition; Hereditary Cancer Syndrome; Hereditary neoplastic syndrome. Identifiers: Orphanet 140162, MedGen C0027672, MeSH D009386, MONDO:0015356.
Hereditary nonpolyposis colorectal neoplasms. Identifiers: MedGen C0009405, MeSH D003123.

Submissions (2):

Labcorp Genetics (formerly Invitae), Labcorp
Classification: Uncertain significance for Hereditary nonpolyposis colorectal neoplasms. Last evaluated: 2021-04-14. Review status: criteria provided, single submitter. Criteria: Invitae Variant Classification Sherloc (09022015). Collection method: clinical testing. Allele origin: germline.
Comment: In summary, the available evidence is currently insufficient to determine the role of this variant in disease. Therefore, it has been classified as a Variant of Uncertain Significance. Algorithms developed to predict the effect of missense changes on protein structure and function (SIFT, PolyPhen-2, Align-GVGD) all suggest that this variant is likely to be tolerated, but these predictions have not been confirmed by published functional studies and their clinical significance is uncertain. This variant has not been reported in the literature in individuals with PMS2-related conditions. This variant is not present in population databases (ExAC no frequency). This sequence change replaces valine with isoleucine at codon 605 of the PMS2 protein (p.Val605Ile). The valine residue is weakly conserved and there is a small physicochemical difference between valine and isoleucine.

Color Diagnostics, LLC DBA Color Health
Classification: Uncertain significance for Hereditary cancer-predisposing syndrome. Last evaluated: 2018-12-11. Review status: criteria provided, single submitter. Criteria: ACMG Guidelines, 2015. Collection method: clinical testing. Allele origin: germline.

NM_000535.7(PMS2):c.1813G>A (p.Val605Ile)

Gene: PMS2 (PMS1 homolog 2, mismatch repair system component; minus strand). Cytogenetic location: 7p22.1.
Variant type: single nucleotide variant.
Coding change: c.1813G>A on transcript NM_000535.7 (MANE Select); coding-DNA position 1813, G replaced by A.
Protein change: p.Val605Ile; replaces valine 605 with isoleucine.
Molecular consequence: missense variant. On other transcripts: non-coding transcript variant (1).
Genome position (GRCh38, 1-based): chr7:5,986,952, C>T on the plus strand (G>A on the coding strand, the complement: PMS2 is on the minus strand). VCF-style: chr7-5986952-C-T. GRCh37 (hg19) VCF-style: chr7-6026583-C-T.
Other names: c.1408G>A, p.Val470Ile (NM_001322003.2, NM_001322004.2, NM_001322005.2 and 1 more transcripts); c.1657G>A, p.Val553Ile (NM_001322006.2); c.1495G>A, p.Val499Ile (NM_001322007.2, NM_001322008.2); c.1252G>A, p.Val418Ile (NM_001322010.2); c.880G>A, p.Val294Ile (NM_001322011.2, NM_001322012.2); c.1240G>A, p.Val414Ile (NM_001322013.2); c.1813G>A, p.Val605Ile (NM_001322014.2); c.1504G>A, p.Val502Ile (NM_001322015.2); short protein forms V294I, V414I, V470I, V553I, V605I, V499I, V502I, V418I.
Identifiers: ClinVar variation 921329 (VCV000921329.12), dbSNP rs1782971627, ClinGen allele CA366739728.